The following is an entry in ClinVar:

NM_001330260.2(SCN8A):c.1507C>T (p.Leu503Phe)

Gene: SCN8A (sodium voltage-gated channel alpha subunit 8; plus strand). Cytogenetic location: 12q13.13.
Variant type: single nucleotide variant.
Coding change: c.1507C>T on transcript NM_001330260.2 (MANE Select); coding-DNA position 1507, C replaced by T.
Protein change: p.Leu503Phe; replaces leucine 503 with phenylalanine.
Molecular consequence: missense variant.
Genome position (GRCh38, 1-based): chr12:51,706,587, C>T. VCF-style: chr12-51706587-C-T. GRCh37 (hg19) VCF-style: chr12-52100371-C-T.
Other names: c.1507C>T, p.Leu503Phe (NM_001177984.3, NM_001369788.1, NM_014191.4); short protein forms L503F.
Identifiers: ClinVar variation 1976212 (VCV001976212.5), dbSNP rs1022856027, ClinGen allele CA385228959.
Genomic context (GRCh38, chr12:51,706,587, plus strand): 5'-CTCAGCTCAAAGAGTGCAAAGGAAAGACGTAACAGGAGAAAGAAGAGGAAGCAAAAGGAA[C>T]TCTCTGAAGGAGAGGAGAAAGGGGATCCCGAGAAGGTGTTTAAGTCAGAGTCAGAAGATG-3'
Protein context (NP_001317189.1, residues 493-513): NRRKKRKQKE[Leu503Phe]SEGEEKGDPE

ClinVar aggregate classification (germline): Uncertain significance (1 of 4 stars; one submission).

Conditions:
Early-infantile DEE. Also called: Ohtahara syndrome; Early infantile epileptic encephalopathy; Early infantile epileptic encephalopathy with suppression bursts. Identifiers: Orphanet 1934, MedGen C0393706, MONDO:0800491.

gnomAD v4.1: 1 of 1,608,730 alleles (0.000062%); highest among the groups gnomAD compares: African/African-American, 0.0013%; no homozygotes.

Submission:

Labcorp Genetics (formerly Invitae), Labcorp
Classification: Uncertain significance for Early-infantile DEE. Last evaluated: 2022-10-17. Review status: criteria provided, single submitter. Criteria: Invitae Variant Classification Sherloc (09022015). Collection method: clinical testing. Allele origin: germline.
Comment: Advanced modeling of protein sequence and biophysical properties (such as structural, functional, and spatial information, amino acid conservation, physicochemical variation, residue mobility, and thermodynamic stability) performed at Invitae indicates that this missense variant is not expected to disrupt SCN8A protein function. This sequence change replaces leucine, which is neutral and non-polar, with phenylalanine, which is neutral and non-polar, at codon 503 of the SCN8A protein (p.Leu503Phe). This variant is not present in population databases (gnomAD no frequency). This variant has not been reported in the literature in individuals affected with SCN8A-related conditions. In summary, the available evidence is currently insufficient to determine the role of this variant in disease. Therefore, it has been classified as a Variant of Uncertain Significance.